The following is an entry in ClinVar:

ClinVar aggregate classification (germline): Uncertain significance. Review status: criteria provided, multiple submitters, no conflicts (2 of 4 stars). 2 submissions from 2 submitters: Uncertain significance (2). Last evaluated 2025-05-01.

Conditions:
Cardiovascular phenotype. Identifiers: MedGen CN230736.
RASopathy. Also called: Noonan spectrum disorder; rasopathies. Identifiers: Orphanet 536391, MedGen C5555857, MONDO:0021060.

Allele frequency attached by ClinVar (database versions not stated): gnomAD exomes below 0.00001.
gnomAD v4.1: 2 of 1,614,216 alleles (0.00012%); highest among the groups gnomAD compares: Middle Eastern, 0.016%; no homozygotes.

Submissions (2):

Labcorp Genetics (formerly Invitae), Labcorp
Classification: Uncertain significance for RASopathy. Last evaluated: 2025-05-01. Review status: criteria provided, single submitter. Criteria: Invitae Variant Classification Sherloc (09022015). Collection method: clinical testing. Allele origin: germline.
Comment: This sequence change replaces leucine, which is neutral and non-polar, with valine, which is neutral and non-polar, at codon 805 of the CBL protein (p.Leu805Val). This variant is not present in population databases (gnomAD no frequency). This variant has not been reported in the literature in individuals affected with CBL-related conditions. ClinVar contains an entry for this variant (Variation ID: 939765). Invitae Evidence Modeling of protein sequence and biophysical properties (such as structural, functional, and spatial information, amino acid conservation, physicochemical variation, residue mobility, and thermodynamic stability) indicates that this missense variant is not expected to disrupt CBL protein function with a negative predictive value of 95%. In summary, the available evidence is currently insufficient to determine the role of this variant in disease. Therefore, it has been classified as a Variant of Uncertain Significance.

Ambry Genetics
Classification: Uncertain significance for Cardiovascular phenotype. Last evaluated: 2025-02-04. Review status: criteria provided, single submitter. Criteria: Ambry Variant Classification Scheme 2023. Collection method: clinical testing. Allele origin: germline.
Comment: The p.L805V variant (also known as c.2413C>G), located in coding exon 15 of the CBL gene, results from a C to G substitution at nucleotide position 2413. The leucine at codon 805 is replaced by valine, an amino acid with highly similar properties. This amino acid position is conserved. In addition, the in silico prediction for this alteration is inconclusive. Based on the available evidence, the clinical significance of this variant remains unclear.

NM_005188.4(CBL):c.2413C>G (p.Leu805Val)

Gene: CBL (Cbl proto-oncogene; plus strand). Cytogenetic location: 11q23.3.
Variant type: single nucleotide variant.
Coding change: c.2413C>G on transcript NM_005188.4 (MANE Select); coding-DNA position 2413, C replaced by G.
Protein change: p.Leu805Val; replaces leucine 805 with valine.
Molecular consequence: missense variant.
Genome position (GRCh38, 1-based): chr11:119,298,519, C>G. VCF-style: chr11-119298519-C-G. GRCh37 (hg19) VCF-style: chr11-119169229-C-G.
Other names: c.2413C>G (NM_005188.2); short protein forms L805V.
Identifiers: ClinVar variation 939765 (VCV000939765.10), dbSNP rs1950079119, ClinGen allele CA382930349.